The following is an entry in ClinVar:

ClinVar aggregate classification (germline): Pathogenic. Review status: criteria provided, single submitter (1 of 4 stars). 2 submissions from 2 submitters: Pathogenic (1). 1 of the submissions does not count toward it. Last evaluated 2024-06-12.

Conditions:
Kabuki syndrome 1 (KABUK1). Also called: KMT2D-Related Kabuki Syndrome. Identifiers: Orphanet 2322, MedGen CN030661, MONDO:0007843, OMIM 147920.

Submissions (2):

3billion
Classification: Pathogenic for Kabuki syndrome 1. Last evaluated: 2024-06-12. Review status: criteria provided, single submitter. Criteria: ACMG Guidelines, 2015. Collection method: clinical testing. Allele origin: germline. Affected: yes.
Comment: The variant is not observed in the gnomAD v4.0.0 dataset. Predicted Consequence/Location: Stop-gained (nonsense): predicted to result in a loss or disruption of normal protein function through nonsense-mediated decay (NMD) or protein truncation. Multiple pathogenic variants are reported downstream of the variant. The variant has been reported to be associated with KMT2D related disorder (ClinVar ID: VCV000981758 /PMID: 27302555). Therefore, this variant is classified as Pathogenic according to the recommendation of ACMG/AMP guideline.

Autoinflammatory diseases unit, CHU de Montpellier
Classification: Pathogenic for Kabuki syndrome 1. Last evaluated: 2014-07-08. Review status: no assertion criteria provided. Collection method: clinical testing. Allele origin: unknown. Affected: yes. Not counted in ClinVar's aggregate classification.

Literature cited by the submitters: PubMed 27302555 (cited by 3billion).

NM_003482.4(KMT2D):c.11977C>T (p.Gln3993Ter)

Gene: KMT2D (lysine methyltransferase 2D; minus strand). Cytogenetic location: 12q13.12.
Variant type: single nucleotide variant.
Coding change: c.11977C>T on transcript NM_003482.4 (MANE Select); coding-DNA position 11977, C replaced by T.
Protein change: p.Gln3993Ter; replaces glutamine 3993 with a stop codon.
Molecular consequence: nonsense.
Genome position (GRCh38, 1-based): chr12:49,032,728, G>A on the plus strand (C>T on the coding strand, the complement: KMT2D is on the minus strand). VCF-style: chr12-49032728-G-A. GRCh37 (hg19) VCF-style: chr12-49426511-G-A.
Other names: short protein forms Q3993*.
Identifiers: ClinVar variation 981758 (VCV000981758.3), dbSNP rs749377569, ClinGen allele CA384713619.